The following is an entry in ClinVar:

NM_000245.4(MET):c.2120T>C (p.Leu707Pro)

Gene: MET (MET proto-oncogene, receptor tyrosine kinase; plus strand). Cytogenetic location: 7q31.2.
Variant type: single nucleotide variant.
Coding change: c.2120T>C on transcript NM_000245.4 (MANE Select); coding-DNA position 2120, T replaced by C.
Protein change: p.Leu707Pro; replaces leucine 707 with proline.
Molecular consequence: missense variant.
Genome position (GRCh38, 1-based): chr7:116,758,476, T>C. VCF-style: chr7-116758476-T-C. GRCh37 (hg19) VCF-style: chr7-116398530-T-C.
Other names: c.2120T>C, p.Leu707Pro (NM_001127500.3, NM_001324401.3); c.830T>C, p.Leu277Pro (NM_001324402.2); short protein forms L277P, L707P.
Identifiers: ClinVar variation 1995405 (VCV001995405.4), dbSNP rs2116930141, ClinGen allele CA368980427.

ClinVar aggregate classification (germline): Uncertain significance (1 of 4 stars; one submission).

Conditions:
Renal cell carcinoma. Identifiers: Orphanet 217071, MedGen C0007134, MeSH D002292, MONDO:0005086, HP:0005584.

Submission:

Labcorp Genetics (formerly Invitae), Labcorp
Classification: Uncertain significance for Renal cell carcinoma. Last evaluated: 2022-05-17. Review status: criteria provided, single submitter. Criteria: Invitae Variant Classification Sherloc (09022015). Collection method: clinical testing. Allele origin: germline.
Comment: This sequence change replaces leucine, which is neutral and non-polar, with proline, which is neutral and non-polar, at codon 707 of the MET protein (p.Leu707Pro). This variant is not present in population databases (gnomAD no frequency). This variant has not been reported in the literature in individuals affected with MET-related conditions. Algorithms developed to predict the effect of missense changes on protein structure and function are either unavailable or do not agree on the potential impact of this missense change (SIFT: "Deleterious"; PolyPhen-2: "Probably Damaging"; Align-GVGD: "Class C0"). Algorithms developed to predict the effect of sequence changes on RNA splicing suggest that this variant may disrupt the consensus splice site. In summary, the available evidence is currently insufficient to determine the role of this variant in disease. Therefore, it has been classified as a Variant of Uncertain Significance.